The following is an entry in ClinVar:

ClinVar aggregate classification (germline): Benign/Likely benign. Review status: criteria provided, multiple submitters, no conflicts (2 of 4 stars). 3 submissions from 3 submitters: Benign (2); Likely benign (1). Last evaluated 2026-10-01.

Allele frequency attached by ClinVar (database versions not stated): gnomAD exomes 0.00034 and 0.00088; ExAC 0.00113; gnomAD 0.00387 and 0.00420; TOPMed 0.00389; 1000 Genomes Project 30x 0.00406; 1000 Genomes Project 0.00439; ESP Exome Variant Server 0.00454.

Submissions (3):

CeGaT Center for Human Genetics Tuebingen
Classification: Likely benign. Last evaluated: 2026-10-01. Review status: criteria provided, single submitter. Criteria: CeGaT Center For Human Genetics Tuebingen Variant Classification Criteria Version 2. Collection method: clinical testing. Allele origin: germline. Affected: yes. Observed: 1 variant allele.
Comment: YY1AP1: BP4, BP7, BS1

Labcorp Genetics (formerly Invitae), Labcorp
Classification: Benign. Last evaluated: 2019-12-31. Review status: criteria provided, single submitter. Criteria: Invitae Variant Classification Sherloc (09022015). Collection method: clinical testing. Allele origin: germline.

Breakthrough Genomics
Classification: Benign. Review status: criteria provided, single submitter. Criteria: ACMG Guidelines, 2015. Collection method: not provided. Allele origin: germline. Inheritance: Autosomal recessive inheritance. Affected: yes.

NM_139119.3(YY1AP1):c.1737G>A (p.Ala579=)

Gene: YY1AP1 (YY1 associated protein 1; minus strand). Cytogenetic location: 1q22.
Variant type: single nucleotide variant.
Coding change: c.1737G>A on transcript NM_139119.3 (MANE Select); coding-DNA position 1737, G replaced by A.
Protein change: p.Ala579=; no amino-acid change (alanine 579 retained).
Molecular consequence: synonymous variant. On other transcripts: 3 prime UTR variant (1).
Genome position (GRCh38, 1-based): chr1:155,660,173, C>T on the plus strand (G>A on the coding strand, the complement: YY1AP1 is on the minus strand). VCF-style: chr1-155660173-C-T. GRCh37 (hg19) VCF-style: chr1-155629964-C-T.
Other names: c.1704G>A, p.Ala568= (NM_001198899.2, NM_001198900.2, NM_018253.4); c.1737G>A, p.Ala579= (NM_001198901.2, NM_001198902.2); c.2151G>A, p.Ala717= (NM_001198903.1); c.2091G>A, p.Ala697= (NM_001198904.1); c.1677G>A, p.Ala559= (NM_001198905.2); c.*680G>A (NM_001198906.2); c.1875G>A, p.Ala625= (NM_139118.3); c.1539G>A, p.Ala513= (NM_139121.3).
Identifiers: ClinVar variation 719456 (VCV000719456.6), dbSNP rs76776727, ClinGen allele CA1148433.
Genomic context (GRCh38, chr1:155,660,173, plus strand): 5'-GGAAGTAGGGTTAACCAAGAGGGTGGCGATGGGAATAGTCTGGGGACTCTGGGCCACAGC[C>T]GCATTGACAGGCTGGATCATGTTACAGCCACCGCCAAGGCTCACAATCTTCACAGTGGTA-3'
Protein context (NP_620830.1, residues 569-589): GGCNMIQPVN[Ala579=]AVAQSPQTIP